The following is an entry in ClinVar:

NM_018060.4(IARS2):c.1753C>T (p.Pro585Ser)

Gene: IARS2 (isoleucyl-tRNA synthetase 2, mitochondrial; plus strand). Cytogenetic location: 1q41.
Variant type: single nucleotide variant.
Coding change: c.1753C>T on transcript NM_018060.4 (MANE Select); coding-DNA position 1753, C replaced by T.
Protein change: p.Pro585Ser; replaces proline 585 with serine.
Molecular consequence: missense variant.
Genome position (GRCh38, 1-based): chr1:220,126,759, C>T. VCF-style: chr1-220126759-C-T. GRCh37 (hg19) VCF-style: chr1-220300101-C-T.
Other names: short protein forms P585S.
Identifiers: ClinVar variation 2048378 (VCV002048378.4), dbSNP rs2528552392, ClinGen allele CA344639495.

ClinVar aggregate classification (germline): Uncertain significance (1 of 4 stars; one submission).

Submission:

Labcorp Genetics (formerly Invitae), Labcorp
Classification: Uncertain significance. Last evaluated: 2022-10-14. Review status: criteria provided, single submitter. Criteria: Invitae Variant Classification Sherloc (09022015). Collection method: clinical testing. Allele origin: germline.
Comment: This sequence change replaces proline, which is neutral and non-polar, with serine, which is neutral and polar, at codon 585 of the IARS2 protein (p.Pro585Ser). In summary, the available evidence is currently insufficient to determine the role of this variant in disease. Therefore, it has been classified as a Variant of Uncertain Significance. Algorithms developed to predict the effect of missense changes on protein structure and function (SIFT, PolyPhen-2, Align-GVGD) all suggest that this variant is likely to be tolerated. This variant has not been reported in the literature in individuals affected with IARS2-related conditions. This variant is not present in population databases (gnomAD no frequency).